The following is an entry in ClinVar:

ClinVar aggregate classification (germline): Uncertain significance (1 of 4 stars; one submission).

Allele frequency attached by ClinVar (database versions not stated): TOPMed 0.00001.
gnomAD v4.1: 13 of 1,586,766 alleles (0.00082%); highest among the groups gnomAD compares: East Asian, 0.0022%; no homozygotes.

Submission:

Institute for Clinical Genetics, University Hospital TU Dresden, University Hospital TU Dresden
Classification: Uncertain significance. Last evaluated: 2021-11-30. Review status: criteria provided, single submitter. Criteria: ACMG Guidelines, 2015. Collection method: clinical testing. Allele origin: maternal.
Comment: PVS1, PM2_SUP

NM_001377137.1(GBF1):c.73C>T (p.Arg25Ter)

Gene: GBF1 (golgi brefeldin A resistant guanine nucleotide exchange factor 1; plus strand). Cytogenetic location: 10q24.32.
Variant type: single nucleotide variant.
Coding change: c.73C>T on transcript NM_001377137.1 (MANE Select); coding-DNA position 73, C replaced by T.
Protein change: p.Arg25Ter; replaces arginine 25 with a stop codon.
Molecular consequence: nonsense. On other transcripts: non-coding transcript variant (5).
Genome position (GRCh38, 1-based): chr10:102,259,011, C>T. VCF-style: chr10-102259011-C-T. GRCh37 (hg19) VCF-style: chr10-104018768-C-T.
Other names: c.73C>T, p.Arg25Ter (NM_001199378.2, NM_001199379.2, NM_001377138.1 and 16 more transcripts); short protein forms R25*.
Identifiers: ClinVar variation 2576183 (VCV002576183.1), dbSNP rs777280189, ClinGen allele CA378164690.